The following is an entry in ClinVar:

NM_001079843.3(CASZ1):c.1281C>T (p.Tyr427=)

Gene: CASZ1 (castor zinc finger 1; minus strand). Cytogenetic location: 1p36.22.
Variant type: single nucleotide variant.
Coding change: c.1281C>T on transcript NM_001079843.3 (MANE Select); coding-DNA position 1281, C replaced by T.
Protein change: p.Tyr427=; no amino-acid change (tyrosine 427 retained).
Molecular consequence: synonymous variant.
Genome position (GRCh38, 1-based): chr1:10,659,761, G>A on the plus strand (C>T on the coding strand, the complement: CASZ1 is on the minus strand). VCF-style: chr1-10659761-G-A. GRCh37 (hg19) VCF-style: chr1-10719818-G-A.
Other names: c.1281C>T, p.Tyr427= (NM_017766.5).
Identifiers: ClinVar variation 781647 (VCV000781647.34), dbSNP rs146116942, ClinGen allele CA585183.

ClinVar aggregate classification (germline): Benign. Review status: criteria provided, multiple submitters, no conflicts (2 of 4 stars). 3 submissions from 3 submitters: Benign (3). Last evaluated 2026-09-01.

Allele frequency attached by ClinVar (database versions not stated): 1000 Genomes Project 0.00439; 1000 Genomes Project 30x 0.00531; ExAC 0.00815; gnomAD exomes 0.00837 and 0.01171; gnomAD 0.00892 and 0.00897; TOPMed 0.00899; ESP Exome Variant Server 0.01161.
gnomAD v4.1: 18,354 of 1,614,002 alleles (1.1%); highest among the groups gnomAD compares: Middle Eastern, 2.3%; 151 homozygotes.

Submissions (3):

CeGaT Center for Human Genetics Tuebingen
Classification: Benign. Last evaluated: 2026-09-01. Review status: criteria provided, single submitter. Criteria: CeGaT Center For Human Genetics Tuebingen Variant Classification Criteria Version 2. Collection method: clinical testing. Allele origin: germline. Affected: yes. Observed: 25 variant alleles.
Comment: CASZ1: BP4, BP7, BS1, BS2

Labcorp Genetics (formerly Invitae), Labcorp
Classification: Benign. Last evaluated: 2026-01-21. Review status: criteria provided, single submitter. Criteria: Invitae Variant Classification Sherloc (09022015). Collection method: clinical testing. Allele origin: germline.

Breakthrough Genomics
Classification: Benign. Review status: criteria provided, single submitter. Criteria: ACMG Guidelines, 2015. Collection method: not provided. Allele origin: germline. Inheritance: Unknown mechanism. Affected: yes.